The following is an entry in ClinVar:

ClinVar aggregate classification (germline): Uncertain significance (1 of 4 stars; one submission).

Allele frequency attached by ClinVar (database versions not stated): gnomAD exomes below 0.00001; ESP Exome Variant Server 0.00008.

Submission:

Labcorp Genetics (formerly Invitae), Labcorp
Classification: Uncertain significance. Last evaluated: 2022-08-09. Review status: criteria provided, single submitter. Criteria: Invitae Variant Classification Sherloc (09022015). Collection method: clinical testing. Allele origin: germline.
Comment: This sequence change disrupts the translational stop signal of the PDP1 mRNA. It is expected to extend the length of the PDP1 protein by 1 additional amino acid residues. This variant is not present in population databases (gnomAD no frequency). This variant has not been reported in the literature in individuals affected with PDP1-related conditions. ClinVar contains an entry for this variant (Variation ID: 1382785). In summary, the available evidence is currently insufficient to determine the role of this variant in disease. Therefore, it has been classified as a Variant of Uncertain Significance.

NM_018444.4(PDP1):c.1614G>C (p.Ter538Tyr)

Gene: PDP1 (pyruvate dehydrogenase phosphatase catalytic subunit 1; plus strand). Cytogenetic location: 8q22.1.
Variant type: single nucleotide variant.
Coding change: c.1614G>C on transcript NM_018444.4 (MANE Select); coding-DNA position 1614, G replaced by C.
Protein change: p.Ter538Tyr.
Molecular consequence: stop lost.
Genome position (GRCh38, 1-based): chr8:93,923,673, G>C. VCF-style: chr8-93923673-G-C. GRCh37 (hg19) VCF-style: chr8-94935901-G-C.
Other names: c.1689G>C, p.Ter563Tyr (NM_001161779.2, NM_001161780.2); c.1614G>C, p.Ter538Tyr (NM_001161781.2).
Identifiers: ClinVar variation 1382785 (VCV001382785.6), dbSNP rs139199750, ClinGen allele CA181376536.